The following is an entry in ClinVar:

NM_001142800.2(EYS):c.9235C>G (p.Leu3079Val)

Genes: EYS (EGF-like photoreceptor maintenance factor; minus strand), PHF3 (PHD finger protein 3; plus strand). Cytogenetic location: 6q12.
Variant type: single nucleotide variant.
Coding change: c.9235C>G on transcript NM_001142800.2 (MANE Select); coding-DNA position 9235, C replaced by G.
Protein change: p.Leu3079Val; replaces leucine 3079 with valine.
Molecular consequence: missense variant. On other transcripts: 3 prime UTR variant (5).
Genome position (GRCh38, 1-based): chr6:63,720,796, G>C on the plus strand (C>G on the coding strand, the complement: EYS is on the minus strand). VCF-style: chr6-63720796-G-C. GRCh37 (hg19) VCF-style: chr6-64430692-G-C.
Other names: c.*7088G>C (NM_001290259.2, NM_001370348.2, NM_001370349.2 and 2 more transcripts); c.9298C>G, p.Leu3100Val (NM_001292009.2); short protein forms L3079V, L3100V.
Identifiers: ClinVar variation 989998 (VCV000989998.4), dbSNP rs760931603, ClinGen allele CA3876678.

ClinVar aggregate classification (germline): Uncertain significance. Review status: criteria provided, multiple submitters, no conflicts (2 of 4 stars). 3 submissions from 3 submitters: Uncertain significance (2). 1 of the submissions does not count toward it. Last evaluated 2025-10-01.

Conditions:
Autosomal recessive retinitis pigmentosa. Identifiers: MedGen C0339526.

Allele frequency attached by ClinVar (database versions not stated): ExAC below 0.00001; gnomAD exomes 0.00001; TOPMed 0.00003; gnomAD 0.00004.
gnomAD v4.1: 21 of 1,550,800 alleles (0.0014%); highest among the groups gnomAD compares: South Asian, 0.0024%; no homozygotes.

Submissions (3):

Labcorp Genetics (formerly Invitae), Labcorp
Classification: Uncertain significance. Last evaluated: 2025-10-01. Review status: criteria provided, single submitter. Criteria: Invitae Variant Classification Sherloc (09022015). Collection method: clinical testing. Allele origin: germline.
Comment: This sequence change replaces leucine, which is neutral and non-polar, with valine, which is neutral and non-polar, at codon 3079 of the EYS protein (p.Leu3079Val). This variant is present in population databases (rs760931603, gnomAD 0.003%). This missense change has been observed in individual(s) with inherited retinal dystrophy (PMID: 32037395). ClinVar contains an entry for this variant (Variation ID: 989998). Invitae Evidence Modeling of protein sequence and biophysical properties (such as structural, functional, and spatial information, amino acid conservation, physicochemical variation, residue mobility, and thermodynamic stability) has been performed for this missense variant. However, the output from this modeling did not meet the statistical confidence thresholds required to predict the impact of this variant on EYS protein function. In summary, the available evidence is currently insufficient to determine the role of this variant in disease. Therefore, it has been classified as a Variant of Uncertain Significance.

Women's Health and Genetics/Laboratory Corporation of America, LabCorp
Classification: Uncertain significance. Last evaluated: 2023-12-08. Review status: criteria provided, single submitter. Criteria: LabCorp Variant Classification Summary - May 2015. Collection method: clinical testing. Allele origin: germline.
Comment: Variant summary: EYS c.9235C>G (p.Leu3079Val) results in a conservative amino acid change located in the fifth laminin G domain (IPR001791) of the encoded protein sequence. Three of four in-silico tools predict a benign effect of the variant on protein function. The variant allele was found at a frequency of 1.4e-05 in 1,543,882 control chromosomes (i.e. in 21 carriers) in the gnomAD database, v4.0 dataset. This frequency is not higher than the estimated maximum expected for a pathogenic variant in EYS causing Retinitis Pigmentosa (0.0034), allowing no conclusion about variant significance. c.9235C>G has been reported in the literature in individuals affected with retinal disease (e.g. Zampaglione_2020). These data do not allow any conclusion about variant significance. To our knowledge, no experimental evidence demonstrating an impact on protein function has been reported. The following publication have been ascertained in the context of this evaluation (PMID: 32037395). Two submitters have cited clinical-significance assessments for this variant to ClinVar after 2014. All submitters classified the variant as uncertain significance. Based on the evidence outlined above, the variant was classified as uncertain significance.

Natera, Inc.
Classification: Uncertain significance for Autosomal recessive retinitis pigmentosa. Last evaluated: 2020-10-21. Review status: no assertion criteria provided. Collection method: clinical testing. Allele origin: germline. Not counted in ClinVar's aggregate classification.

Literature cited by the submitters: PubMed 32037395 (cited by Labcorp Genetics (formerly Invitae), Labcorp and Women's Health and Genetics/Laboratory Corporation of America, LabCorp).